The following is an entry in ClinVar:

ClinVar aggregate classification (germline): Conflicting classifications of pathogenicity. Review status: criteria provided, conflicting classifications (1 of 4 stars). 3 submissions from 3 submitters: Uncertain significance (2); Likely benign (1). Last evaluated 2024-09-06.

Conditions:
Lethal congenital glycogen storage disease of heart. Also called: PHOSPHORYLASE KINASE DEFICIENCY OF HEART; GLYCOGEN STORAGE DISEASE OF HEART. Identifiers: Orphanet 439854, MedGen C1849813, MONDO:0009867, OMIM 261740.
Hypertrophic cardiomyopathy. Also called: HYPERTROPHIC MYOCARDIOPATHY. Identifiers: Orphanet 217569, MedGen C0007194, MeSH D002312, MONDO:0005045, HP:0001639.
Cardiomyopathy (CMYO). Also called: Cardiomyopathies. Identifiers: Orphanet 167848, MedGen C0878544, MONDO:0004994, HP:0001638. Inheritance: Various modes of inheritance.

Allele frequency attached by ClinVar (database versions not stated): gnomAD exomes below 0.00001; ExAC 0.00001; TOPMed 0.00001.
gnomAD v4.1: 6 of 1,614,184 alleles (0.00037%); highest among the groups gnomAD compares: Non-Finnish European, 0.00042%; no homozygotes.

Submissions (3):

Color Diagnostics, LLC DBA Color Health
Classification: Uncertain significance for Cardiomyopathy. Last evaluated: 2024-09-06. Review status: criteria provided, single submitter. Criteria: ACMG Guidelines, 2015. Collection method: clinical testing. Allele origin: germline.
Comment: This missense variant replaces arginine with lysine at codon 214 of the PRKAG2 protein. Computational prediction tools indicate that this variant has a neutral impact on protein structure and function. To our knowledge, functional studies have not been reported for this variant. This variant has been reported in an individual affected with primary electrical disease (PMID: 28341588). This variant has been identified in 1/251264 chromosomes in the general population by the Genome Aggregation Database (gnomAD). The available evidence is insufficient to determine the role of this variant in disease conclusively. Therefore, this variant is classified as a Variant of Uncertain Significance.

All of Us Research Program, National Institutes of Health
Classification: Likely benign for Hypertrophic cardiomyopathy. Last evaluated: 2023-08-08. Review status: criteria provided, single submitter. Criteria: ACMG Guidelines, 2015. Collection method: clinical testing. Allele origin: germline. Inheritance: Autosomal dominant inheritance. Observed: 1 variant allele, 1 heterozygote.
Comment: This study involves interpretation of variants in research participants for the purpose of population health screening. Participant phenotype was not available at the time of variant classification. Additional details can be found in publication PMID: 35346344, PMCID: PMC8962531

Labcorp Genetics (formerly Invitae), Labcorp
Classification: Uncertain significance for Lethal congenital glycogen storage disease of heart. Last evaluated: 2022-11-17. Review status: criteria provided, single submitter. Criteria: Invitae Variant Classification Sherloc (09022015). Collection method: clinical testing. Allele origin: germline.
Comment: In summary, the available evidence is currently insufficient to determine the role of this variant in disease. Therefore, it has been classified as a Variant of Uncertain Significance. Advanced modeling of protein sequence and biophysical properties (such as structural, functional, and spatial information, amino acid conservation, physicochemical variation, residue mobility, and thermodynamic stability) performed at Invitae indicates that this missense variant is not expected to disrupt PRKAG2 protein function. ClinVar contains an entry for this variant (Variation ID: 666401). This variant has not been reported in the literature in individuals affected with PRKAG2-related conditions. This variant is present in population databases (rs781267213, gnomAD 0.0009%). This sequence change replaces arginine, which is basic and polar, with lysine, which is basic and polar, at codon 214 of the PRKAG2 protein (p.Arg214Lys).

Literature cited by the submitters: PubMed 28341588 (cited by Color Diagnostics, LLC DBA Color Health).

NM_016203.4(PRKAG2):c.641G>A (p.Arg214Lys)

Gene: PRKAG2 (protein kinase AMP-activated non-catalytic subunit gamma 2; minus strand). Cytogenetic location: 7q36.1.
Variant type: single nucleotide variant.
Coding change: c.641G>A on transcript NM_016203.4 (MANE Select); coding-DNA position 641, G replaced by A.
Protein change: p.Arg214Lys; replaces arginine 214 with lysine.
Molecular consequence: missense variant.
Genome position (GRCh38, 1-based): chr7:151,675,463, C>T on the plus strand (G>A on the coding strand, the complement: PRKAG2 is on the minus strand). VCF-style: chr7-151675463-C-T. GRCh37 (hg19) VCF-style: chr7-151372549-C-T.
Other names: c.509G>A, p.Arg170Lys (NM_001040633.2); c.269G>A, p.Arg90Lys (NM_001304527.2, NM_001363698.2); short protein forms R90K, R170K, R214K.
Identifiers: ClinVar variation 666401 (VCV000666401.5), dbSNP rs781267213, ClinGen allele CA057761.
Genomic context (GRCh38, chr7:151,675,463, plus strand): 5'-GAAGGGCCCAGACTTACGGCTTTGGAGGGAGCATAGTGTGTCGGTGATGCCAGTGGAGGC[C>T]TGGTCGGGCTCTGGAAGGAAGACGGGCAGAACCTCTGCCCTGTGTCCGGGGGGGAAGACG-3'
Protein context (NP_057287.2, residues 204-224): FCPSSFQSPT[Arg214Lys]PPLASPTHYA